The following is an entry in ClinVar:

NM_001378454.1(ALMS1):c.659G>A (p.Ser220Asn)

Gene: ALMS1 (ALMS1 centrosome and basal body associated protein; plus strand). Cytogenetic location: 2p13.1.
Variant type: single nucleotide variant.
Coding change: c.659G>A on transcript NM_001378454.1 (MANE Select); coding-DNA position 659, G replaced by A.
Protein change: p.Ser220Asn; replaces serine 220 with asparagine.
Molecular consequence: missense variant.
Genome position (GRCh38, 1-based): chr2:73,422,869, G>A. VCF-style: chr2-73422869-G-A. GRCh37 (hg19) VCF-style: chr2-73649997-G-A.
Other names: c.662G>A, p.Ser221Asn (NM_015120.4); short protein forms S220N, S221N.
Identifiers: ClinVar variation 1309804 (VCV001309804.6), dbSNP rs2103710395, ClinGen allele CA347259954.

ClinVar aggregate classification (germline): Uncertain significance. Review status: criteria provided, multiple submitters, no conflicts (2 of 4 stars). 2 submissions from 2 submitters: Uncertain significance (2). Last evaluated 2024-01-22.

Conditions:
Alstrom syndrome (ALMS). Identifiers: Orphanet 64, MedGen C0268425, MONDO:0008763, OMIM 203800.

Submissions (2):

Labcorp Genetics (formerly Invitae), Labcorp
Classification: Uncertain significance for Alstrom syndrome. Last evaluated: 2024-01-22. Review status: criteria provided, single submitter. Criteria: Invitae Variant Classification Sherloc (09022015). Collection method: clinical testing. Allele origin: germline.
Comment: This sequence change replaces serine, which is neutral and polar, with asparagine, which is neutral and polar, at codon 221 of the ALMS1 protein (p.Ser221Asn). This variant is not present in population databases (gnomAD no frequency). This variant has not been reported in the literature in individuals affected with ALMS1-related conditions. ClinVar contains an entry for this variant (Variation ID: 1309804). Experimental studies and prediction algorithms are not available or were not evaluated, and the functional significance of this variant is currently unknown. In summary, the available evidence is currently insufficient to determine the role of this variant in disease. Therefore, it has been classified as a Variant of Uncertain Significance.

GeneDx
Classification: Uncertain significance. Last evaluated: 2019-08-26. Review status: criteria provided, single submitter. Criteria: GeneDx Variant Classification Process June 2021. Collection method: clinical testing. Allele origin: germline. Affected: yes.
Comment: Not observed in large population cohorts (Lek et al., 2016); In silico analysis, which includes protein predictors and evolutionary conservation, supports that this variant does not alter protein structure/function; Has not been previously published as pathogenic or benign to our knowledge